The following is an entry in ClinVar:

ClinVar aggregate classification (germline): Uncertain significance (1 of 4 stars; one submission).

Conditions:
Multiple endocrine neoplasia, type 1 (MEN1). Also called: MEN I; WERMER SYNDROME; Endocrine adenomatosis multiple; MEN 1; MEA I. Identifiers: Orphanet 652, MedGen C0025267, MeSH D018761, MONDO:0007540, OMIM 131100.

Submission:

Labcorp Genetics (formerly Invitae), Labcorp
Classification: Uncertain significance for Multiple endocrine neoplasia, type 1. Last evaluated: 2022-11-12. Review status: criteria provided, single submitter. Criteria: Invitae Variant Classification Sherloc (09022015). Collection method: clinical testing. Allele origin: germline.
Comment: This sequence change replaces serine, which is neutral and polar, with glycine, which is neutral and non-polar, at codon 114 of the MEN1 protein (p.Ser114Gly). This variant is not present in population databases (gnomAD no frequency). This variant has not been reported in the literature in individuals affected with MEN1-related conditions. Advanced modeling of protein sequence and biophysical properties (such as structural, functional, and spatial information, amino acid conservation, physicochemical variation, residue mobility, and thermodynamic stability) performed at Invitae indicates that this missense variant is expected to disrupt MEN1 protein function. In summary, the available evidence is currently insufficient to determine the role of this variant in disease. Therefore, it has been classified as a Variant of Uncertain Significance.

NM_001370259.2(MEN1):c.340A>G (p.Ser114Gly)

Gene: MEN1 (menin 1; minus strand). Cytogenetic location: 11q13.1.
Variant type: single nucleotide variant.
Coding change: c.340A>G on transcript NM_001370259.2 (MANE Select); coding-DNA position 340, A replaced by G.
Protein change: p.Ser114Gly; replaces serine 114 with glycine.
Molecular consequence: missense variant. On other transcripts: non-coding transcript variant (4).
Genome position (GRCh38, 1-based): chr11:64,809,770, T>C on the plus strand (A>G on the coding strand, the complement: MEN1 is on the minus strand). VCF-style: chr11-64809770-T-C. GRCh37 (hg19) VCF-style: chr11-64577242-T-C.
Other names: c.340A>G, p.Ser114Gly (NM_000244.4, NM_001370251.2, NM_001370260.2 and 20 more transcripts); short protein forms S114G.
Identifiers: ClinVar variation 2813801 (VCV002813801.3), dbSNP rs2136182944, ClinGen allele CA381187374.